The following is an entry in ClinVar:

NM_000336.3(SCNN1B):c.181G>A (p.Ala61Thr)

Gene: SCNN1B (sodium channel epithelial 1 subunit beta; plus strand). Cytogenetic location: 16p12.2.
Variant type: single nucleotide variant.
Coding change: c.181G>A on transcript NM_000336.3 (MANE Select); coding-DNA position 181, G replaced by A.
Protein change: p.Ala61Thr; replaces alanine 61 with threonine.
Molecular consequence: missense variant.
Genome position (GRCh38, 1-based): chr16:23,348,780, G>A. VCF-style: chr16-23348780-G-A. GRCh37 (hg19) VCF-style: chr16-23360101-G-A.
Other names: short protein forms A61T.
Identifiers: ClinVar variation 789832 (VCV000789832.14), dbSNP rs72654321, ClinGen allele CA7960080.

ClinVar aggregate classification (germline): Likely benign. Review status: criteria provided, multiple submitters, no conflicts (2 of 4 stars). 5 submissions from 5 submitters: Likely benign (3). 2 of the submissions do not count toward it. Last evaluated 2025-06-12.

Conditions:
SCNN1B-related disorder. Also called: SCNN1B-related condition.

Allele frequency attached by ClinVar (database versions not stated): TOPMed 0.00147; 1000 Genomes Project 0.00160; 1000 Genomes Project 30x 0.00187; gnomAD exomes 0.00012 and 0.00035; ExAC 0.00048; ESP Exome Variant Server 0.00123; gnomAD 0.00128 and 0.00135.
gnomAD v4.1: 379 of 1,614,144 alleles (0.023%); highest among the groups gnomAD compares: African/African-American, 0.45%; 1 homozygote.

Submissions (5):

Labcorp Genetics (formerly Invitae), Labcorp
Classification: Likely benign. Last evaluated: 2025-06-12. Review status: criteria provided, single submitter. Criteria: Invitae Variant Classification Sherloc (09022015). Collection method: clinical testing. Allele origin: germline.

Women's Health and Genetics/Laboratory Corporation of America, LabCorp
Classification: Likely benign. Last evaluated: 2025-02-24. Review status: criteria provided, single submitter. Criteria: LabCorp Variant Classification Summary - May 2015. Collection method: clinical testing. Allele origin: germline.
Comment: Variant summary: SCNN1B c.181G>A (p.Ala61Thr) results in a non-conservative amino acid change in the encoded protein sequence. Three of four in-silico tools predict a benign effect of the variant on protein function. The observed variant frequency within African or African-American control individuals (0.0046) in the gnomAD database exceeds the estimated maximal expected allele frequency for a pathogenic variant in SCNN1B causing SCNN1B-Related Disorders phenotype, suggesting the variant may be benign. c.181G>A has been reported in the literature as a VUS in at least one individual affected with sudden arrhythmic death without evidence of causailty (e.g. Nunn_2016). This report does not provide unequivocal conclusions about association of the variant with SCNN1B-Related Disorders. To our knowledge, no experimental evidence demonstrating an impact on protein function has been reported. The following publication has been ascertained in the context of this evaluation (PMID: 26498160). ClinVar contains an entry for this variant (Variation ID: 789832). Based on the evidence outlined above, the variant was classified as likely benign.

Athena Diagnostics
Classification: Likely benign. Last evaluated: 2021-02-11. Review status: criteria provided, single submitter. Criteria: Athena Diagnostics criteria. Collection method: clinical testing. Allele origin: unknown.

Genetic Services Laboratory, University of Chicago
Classification: Likely benign. Last evaluated: 2022-11-03. Review status: no assertion criteria provided. Collection method: clinical testing. Allele origin: germline. Affected: no. Not counted in ClinVar's aggregate classification.

PreventionGenetics, part of Exact Sciences
Classification: Likely benign for SCNN1B-related condition. Last evaluated: 2020-12-16. Review status: no assertion criteria provided. Collection method: clinical testing. Allele origin: germline. Not counted in ClinVar's aggregate classification.
Comment: This variant is classified as likely benign based on ACMG/AMP sequence variant interpretation guidelines (Richards et al. 2015 PMID: 25741868, with internal and published modifications).

Literature cited by the submitters: PubMed 26498160 (cited by Women's Health and Genetics/Laboratory Corporation of America, LabCorp).